The following is an entry in ClinVar:

ClinVar aggregate classification (germline): Uncertain significance (1 of 4 stars; one submission).

Conditions:
Arrhythmogenic right ventricular dysplasia 9 (ARVD9). Also called: Arrhythmogenic Right Ventricular Dysplasia/Cardiomyopathy 9; ARRHYTHMOGENIC RIGHT VENTRICULAR DYSPLASIA, FAMILIAL, 9. Identifiers: MedGen C1836906, MONDO:0012180, OMIM 609040.

Submission:

Labcorp Genetics (formerly Invitae), Labcorp
Classification: Uncertain significance for Arrhythmogenic right ventricular dysplasia 9. Last evaluated: 2022-04-28. Review status: criteria provided, single submitter. Criteria: Invitae Variant Classification Sherloc (09022015). Collection method: clinical testing. Allele origin: germline.
Comment: Algorithms developed to predict the effect of missense changes on protein structure and function are either unavailable or do not agree on the potential impact of this missense change (SIFT: "Deleterious"; PolyPhen-2: "Benign"; Align-GVGD: "Class C0"). In summary, the available evidence is currently insufficient to determine the role of this variant in disease. Therefore, it has been classified as a Variant of Uncertain Significance. This variant has not been reported in the literature in individuals affected with PKP2-related conditions. This variant is not present in population databases (gnomAD no frequency). This sequence change replaces histidine, which is basic and polar, with glutamine, which is neutral and polar, at codon 477 of the PKP2 protein (p.His477Gln).

NM_001005242.3(PKP2):c.1379-2056C>G

Gene: PKP2 (plakophilin 2; minus strand). Cytogenetic location: 12p11.21.
Variant type: single nucleotide variant.
Coding change: c.1379-2056C>G on transcript NM_001005242.3 (MANE Select); 2056 bases into the intron before coding-DNA position 1379, C replaced by G.
Molecular consequence: intron variant. On other transcripts: missense variant (2).
Genome position (GRCh38, 1-based): chr12:32,843,261, G>C on the plus strand (C>G on the coding strand, the complement: PKP2 is on the minus strand). VCF-style: chr12-32843261-G-C. GRCh37 (hg19) VCF-style: chr12-32996195-G-C.
Other names: c.1431C>G, p.His477Gln (NM_001407157.1, NM_004572.4); short protein forms H477Q.
Identifiers: ClinVar variation 1977657 (VCV001977657.5), dbSNP rs749052785, ClinGen allele CA384368701.